The following is an entry in ClinVar:

NM_000088.4(COL1A1):c.3160C>T (p.Pro1054Ser)

Gene: COL1A1 (collagen type I alpha 1 chain; minus strand). Cytogenetic location: 17q21.33.
Variant type: single nucleotide variant.
Coding change: c.3160C>T on transcript NM_000088.4 (MANE Select); coding-DNA position 3160, C replaced by T.
Protein change: p.Pro1054Ser; replaces proline 1054 with serine.
Molecular consequence: missense variant.
Genome position (GRCh38, 1-based): chr17:50,188,577, G>A on the plus strand (C>T on the coding strand, the complement: COL1A1 is on the minus strand). VCF-style: chr17-50188577-G-A. GRCh37 (hg19) VCF-style: chr17-48265938-G-A.
Other names: short protein forms P1054S.
Identifiers: ClinVar variation 4527515 (VCV004527515.2).

ClinVar aggregate classification (germline): Conflicting classifications of pathogenicity. Review status: criteria provided, conflicting classifications (1 of 4 stars). 2 submissions from 2 submitters: Uncertain significance (1); Likely benign (1). Last evaluated 2025-04-29.

Submissions (2):

GeneDx
Classification: Uncertain significance. Last evaluated: 2025-04-29. Review status: criteria provided, single submitter. Criteria: GeneDx Variant Classification Process June 2021. Collection method: clinical testing. Allele origin: germline. Affected: yes.
Comment: Not observed at significant frequency in large population cohorts (gnomAD); In silico analysis supports that this missense variant has a deleterious effect on protein structure/function; Has not been previously published as pathogenic or benign to our knowledge; Occurs in the triple helical domain at the Y position in the canonical Gly-X-Y repeat; although this variant may have an effect on normal protein folding and function, missense substitution at the Y position is not a common mechanism of disease (HGMD)

Blueprint Genetics
Classification: Likely benign. Last evaluated: 2020-10-09. Review status: criteria provided, single submitter. Criteria: ACMG Guidelines, 2015. Collection method: clinical testing. Allele origin: germline.